The following is an entry in ClinVar:

NM_000038.6(APC):c.7863T>C (p.Ser2621=)

Gene: APC (APC regulator of Wnt signaling pathway; plus strand). Cytogenetic location: 5q22.2.
Variant type: single nucleotide variant.
Coding change: c.7863T>C on transcript NM_000038.6 (MANE Select); coding-DNA position 7863, T replaced by C.
Protein change: p.Ser2621=; no amino-acid change (serine 2621 retained).
Molecular consequence: synonymous variant. On other transcripts: non-coding transcript variant (2).
Genome position (GRCh38, 1-based): chr5:112,843,457, T>C. VCF-style: chr5-112843457-T-C. GRCh37 (hg19) VCF-style: chr5-112179154-T-C.
Other names: c.7863T>C, p.Ser2621= (NM_001127510.3, NM_001354895.2, NM_001407450.1); c.7809T>C, p.Ser2603= (NM_001127511.3); c.7917T>C, p.Ser2639= (NM_001354896.2, NM_001407447.1, NM_001407448.1 and 1 more transcripts); c.7893T>C, p.Ser2631= (NM_001354897.2); c.7788T>C, p.Ser2596= (NM_001354898.2); c.7779T>C, p.Ser2593= (NM_001354899.2); c.7740T>C, p.Ser2580= (NM_001354900.2); c.7686T>C, p.Ser2562= (NM_001354901.2, NM_001407453.1); and 11 more.
Identifiers: ClinVar variation 1760930 (VCV001760930.3), dbSNP rs1561618785, ClinGen allele CA446210919.
Genomic context (GRCh38, chr5:112,843,457, plus strand): 5'-TAAAGAAAACCAAGTATCCGCAAAAGGAACATGGAGAAAAATAAAAGAAAATGAATTTTC[T>C]CCCACAAATAGTACTTCTCAGACCGTTTCCTCAGGTGCTACAAATGGTGCTGAATCAAAG-3'
Protein context (NP_000029.2, residues 2611-2631): TWRKIKENEF[Ser2621=]PTNSTSQTVS

ClinVar aggregate classification (germline): Benign/Likely benign. Review status: criteria provided, multiple submitters, no conflicts (2 of 4 stars). 2 submissions from 2 submitters: Benign (1); Likely benign (1). Last evaluated 2024-04-11.

Conditions:
Hereditary cancer-predisposing syndrome. Also called: Neoplastic Syndromes, Hereditary; Tumor predisposition; Hereditary Cancer Syndrome; Hereditary neoplastic syndrome. Identifiers: Orphanet 140162, MedGen C0027672, MeSH D009386, MONDO:0015356.
Familial adenomatous polyposis 1 (FAP1). Also called: FAMILIAL ADENOMATOUS POLYPOSIS 1, ATTENUATED; POLYPOSIS, ADENOMATOUS INTESTINAL. Identifiers: MedGen C2713442, MONDO:0021056, OMIM 175100. Disease mechanism: loss of function.

Submissions (2):

Myriad Genetics, Inc.
Classification: Benign for Familial adenomatous polyposis 1. Last evaluated: 2024-04-11. Review status: criteria provided, single submitter. Criteria: Myriad Autosomal Dominant, Autosomal Recessive and X-Linked Classification Criteria (2023). Collection method: clinical testing. Allele origin: unknown.
Comment: This variant is considered benign. This variant is a silent/synonymous amino acid change and it is not expected to impact splicing.

Ambry Genetics
Classification: Likely benign for Hereditary cancer-predisposing syndrome. Last evaluated: 2020-05-01. Review status: criteria provided, single submitter. Criteria: Ambry Variant Classification Scheme 2023. Collection method: clinical testing. Allele origin: germline.